The following is an entry in ClinVar:

NM_024422.6(DSC2):c.2695A>G (p.Met899Val)

Gene: DSC2 (desmocollin 2; minus strand). Cytogenetic location: 18q12.1.
Variant type: single nucleotide variant.
Coding change: c.2695A>G on transcript NM_024422.6 (MANE Select); coding-DNA position 2695, A replaced by G.
Protein change: p.Met899Val; replaces methionine 899 with valine.
Molecular consequence: missense variant. On other transcripts: 3 prime UTR variant (2).
Genome position (GRCh38, 1-based): chr18:31,068,026, T>C on the plus strand (A>G on the coding strand, the complement: DSC2 is on the minus strand). VCF-style: chr18-31068026-T-C. GRCh37 (hg19) VCF-style: chr18-28647992-T-C.
Other names: c.2266A>G, p.Met756Val (NM_001406506.1); c.*197A>G (NM_001406507.1, NM_004949.5); short protein forms M899V, M756V.
Identifiers: ClinVar variation 3672208 (VCV003672208.2).
Genomic context (GRCh38, chr18:31,068,026, plus strand): 5'-TTTTAAAAGTCATAAAGCCACTGGCTTTCAGAGACTTATTAGAACACACTCATCTCTTCA[T>C]GCATGCTTCTGCTAGTGTCCTAAATTTGGGCTCCAAATTATCCAAAAATTCAAGCCCATC-3'
Protein context (NP_077740.1, residues 889-901): PKFRTLAEAC[Met899Val]KR

ClinVar aggregate classification (germline): Uncertain significance (1 of 4 stars; one submission).

Conditions:
Arrhythmogenic right ventricular dysplasia 11. Also called: ARRHYTHMOGENIC RIGHT VENTRICULAR DYSPLASIA, FAMILIAL, 11; Arrhythmogenic Right Ventricular Dysplasia/Cardiomyopathy11; Arrhythmogenic right ventricular dysplasia 11 with mild palmoplantar keratoderma and woolly hair. Identifiers: MedGen C1864850, MONDO:0012506, OMIM 610476.

Submission:

Labcorp Genetics (formerly Invitae), Labcorp
Classification: Uncertain significance for Arrhythmogenic right ventricular dysplasia 11. Last evaluated: 2024-05-23. Review status: criteria provided, single submitter. Criteria: Invitae Variant Classification Sherloc (09022015). Collection method: clinical testing. Allele origin: germline.
Comment: This sequence change replaces methionine, which is neutral and non-polar, with valine, which is neutral and non-polar, at codon 899 of the DSC2 protein (p.Met899Val). This variant is present in population databases (no rsID available, gnomAD no frequency). This variant has not been reported in the literature in individuals affected with DSC2-related conditions. Algorithms developed to predict the effect of missense changes on protein structure and function output the following: SIFT: "Not Available"; PolyPhen-2: "Benign"; Align-GVGD: "Not Available". The valine amino acid residue is found in multiple mammalian species, which suggests that this missense change does not adversely affect protein function. In summary, the available evidence is currently insufficient to determine the role of this variant in disease. Therefore, it has been classified as a Variant of Uncertain Significance.